The following is an entry in ClinVar:

ClinVar aggregate classification (germline): Uncertain significance. Review status: criteria provided, multiple submitters, no conflicts (2 of 4 stars). 3 submissions from 3 submitters: Uncertain significance (2). 1 of the submissions does not count toward it. Last evaluated 2025-05-19.

Conditions:
Inborn genetic diseases. Identifiers: MedGen C0950123, MeSH D030342.
Multiple acyl-CoA dehydrogenase deficiency (MADD). Also called: Glutaric acidemia type II; GA 2; ETHYLMALONIC-ADIPICACIDURIA; GA II; Glutaric aciduria, type 2; Glutaric Acidemia type 2. Identifiers: Orphanet 26791, MedGen C0268596, MONDO:0009282, OMIM 231680.

Allele frequency attached by ClinVar (database versions not stated): ExAC 0.00003; gnomAD exomes 0.00003; TOPMed 0.00003; gnomAD 0.00004; ESP Exome Variant Server 0.00008.
gnomAD v4.1: 49 of 1,611,640 alleles (0.003%); highest among the groups gnomAD compares: African/African-American, 0.0067%; no homozygotes.

Submissions (3):

Ambry Genetics
Classification: Uncertain significance for Inborn genetic diseases. Last evaluated: 2025-05-19. Review status: criteria provided, single submitter. Criteria: Ambry Variant Classification Scheme 2023. Collection method: clinical testing. Allele origin: germline.

Labcorp Genetics (formerly Invitae), Labcorp
Classification: Uncertain significance for Multiple acyl-CoA dehydrogenase deficiency. Last evaluated: 2022-07-06. Review status: criteria provided, single submitter. Criteria: Invitae Variant Classification Sherloc (09022015). Collection method: clinical testing. Allele origin: germline.
Comment: This sequence change replaces glycine, which is neutral and non-polar, with serine, which is neutral and polar, at codon 181 of the ETFA protein (p.Gly181Ser). This variant is present in population databases (rs374127169, gnomAD 0.008%). This variant has not been reported in the literature in individuals affected with ETFA-related conditions. ClinVar contains an entry for this variant (Variation ID: 989856). Algorithms developed to predict the effect of missense changes on protein structure and function are either unavailable or do not agree on the potential impact of this missense change (SIFT: "Tolerated"; PolyPhen-2: "Probably Damaging"; Align-GVGD: "Class C0"). In summary, the available evidence is currently insufficient to determine the role of this variant in disease. Therefore, it has been classified as a Variant of Uncertain Significance.

Natera, Inc.
Classification: Uncertain significance for Glutaric aciduria type 2. Last evaluated: 2020-08-31. Review status: no assertion criteria provided. Collection method: clinical testing. Allele origin: germline. Not counted in ClinVar's aggregate classification.

NM_000126.4(ETFA):c.541G>A (p.Gly181Ser)

Gene: ETFA (electron transfer flavoprotein subunit alpha; minus strand). Cytogenetic location: 15q24.2.
Variant type: single nucleotide variant.
Coding change: c.541G>A on transcript NM_000126.4 (MANE Select); coding-DNA position 541, G replaced by A.
Protein change: p.Gly181Ser; replaces glycine 181 with serine.
Molecular consequence: missense variant.
Genome position (GRCh38, 1-based): chr15:76,286,392, C>T on the plus strand (G>A on the coding strand, the complement: ETFA is on the minus strand). VCF-style: chr15-76286392-C-T. GRCh37 (hg19) VCF-style: chr15-76578733-C-T.
Other names: c.541G>A (NM_000126.3); c.394G>A, p.Gly132Ser (NM_001127716.2); short protein forms G132S, G181S.
Identifiers: ClinVar variation 989856 (VCV000989856.4), dbSNP rs374127169, ClinGen allele CA7673740.